The following is an entry in ClinVar:

NM_000063.6(C2):c.746G>A (p.Arg249His)

Gene: C2 (complement C2; plus strand). Cytogenetic location: 6p21.33.
Variant type: single nucleotide variant.
Coding change: c.746G>A on transcript NM_000063.6 (MANE Select); coding-DNA position 746, G replaced by A.
Protein change: p.Arg249His; replaces arginine 249 with histidine.
Molecular consequence: missense variant. On other transcripts: intron variant (2).
Genome position (GRCh38, 1-based): chr6:31,934,196, G>A. VCF-style: chr6-31934196-G-A. GRCh37 (hg19) VCF-style: chr6-31901973-G-A.
Other names: c.350G>A, p.Arg117His (NM_001145903.3); c.659G>A, p.Arg220His (NM_001282458.2); c.746G>A, p.Arg249His (NM_001282459.2); c.111+413G>A (NM_001282457.2); c.346+231G>A (NM_001178063.3); short protein forms R220H, R249H, R117H.
Identifiers: ClinVar variation 1971282 (VCV001971282.5), dbSNP rs776693639, ClinGen allele CA3727506.

ClinVar aggregate classification (germline): Uncertain significance (1 of 4 stars; one submission).

Allele frequency attached by ClinVar (database versions not stated): ExAC 0.00001; gnomAD 0.00001; gnomAD exomes 0.00001.
gnomAD v4.1: 11 of 1,614,066 alleles (0.00068%); highest among the groups gnomAD compares: South Asian, 0.0044%; 1 homozygote.

Submission:

Labcorp Genetics (formerly Invitae), Labcorp
Classification: Uncertain significance. Last evaluated: 2022-05-09. Review status: criteria provided, single submitter. Criteria: Invitae Variant Classification Sherloc (09022015). Collection method: clinical testing. Allele origin: germline.
Comment: In summary, the available evidence is currently insufficient to determine the role of this variant in disease. Therefore, it has been classified as a Variant of Uncertain Significance. Algorithms developed to predict the effect of missense changes on protein structure and function (SIFT, PolyPhen-2, Align-GVGD) all suggest that this variant is likely to be disruptive. This variant has not been reported in the literature in individuals affected with C2-related conditions. This variant is present in population databases (rs776693639, gnomAD 0.003%). This sequence change replaces arginine, which is basic and polar, with histidine, which is basic and polar, at codon 249 of the C2 protein (p.Arg249His).